The following is an entry in ClinVar:

ClinVar aggregate classification (germline): Uncertain significance (1 of 4 stars; one submission).

Conditions:
Myofibrillar myopathy 6. Identifiers: Orphanet 199340, MedGen C2751831, MONDO:0013061, OMIM 612954.
Dilated cardiomyopathy 1HH (CMD1HH). Identifiers: Orphanet 154, MedGen C3151293, MONDO:0013479, OMIM 613881.

Submission:

Labcorp Genetics (formerly Invitae), Labcorp
Classification: Uncertain significance for Dilated cardiomyopathy 1HH; Myofibrillar myopathy 6. Last evaluated: 2021-11-04. Review status: criteria provided, single submitter. Criteria: Invitae Variant Classification Sherloc (09022015). Collection method: clinical testing. Allele origin: germline.
Comment: This variant is not present in population databases (gnomAD no frequency). This variant has not been reported in the literature in individuals affected with BAG3-related conditions. Algorithms developed to predict the effect of missense changes on protein structure and function are either unavailable or do not agree on the potential impact of this missense change (SIFT: "Tolerated"; PolyPhen-2: "Probably Damaging"; Align-GVGD: "Class C0"). In summary, the available evidence is currently insufficient to determine the role of this variant in disease. Therefore, it has been classified as a Variant of Uncertain Significance. This sequence change replaces glutamine, which is neutral and polar, with leucine, which is neutral and non-polar, at codon 11 of the BAG3 protein (p.Gln11Leu).

NM_004281.4(BAG3):c.32A>T (p.Gln11Leu)

Gene: BAG3 (BAG cochaperone 3; plus strand). Cytogenetic location: 10q26.11.
Variant type: single nucleotide variant.
Coding change: c.32A>T on transcript NM_004281.4 (MANE Select); coding-DNA position 32, A replaced by T.
Protein change: p.Gln11Leu; replaces glutamine 11 with leucine.
Molecular consequence: missense variant.
Genome position (GRCh38, 1-based): chr10:119,651,707, A>T. VCF-style: chr10-119651707-A-T. GRCh37 (hg19) VCF-style: chr10-121411219-A-T.
Other names: short protein forms Q11L.
Identifiers: ClinVar variation 1424392 (VCV001424392.6), dbSNP rs2134050474, ClinGen allele CA378294032.